The following is an entry in ClinVar:

ClinVar aggregate classification (germline): Uncertain significance (1 of 4 stars; one submission).

Conditions:
Peroxisome biogenesis disorder, complementation group 7 (CG7). Also called: Peroxisome biogenesis disorder, complementation group B. Identifiers: MedGen C1864399.

Allele frequency attached by ClinVar (database versions not stated): TOPMed below 0.00001.

Submission:

Labcorp Genetics (formerly Invitae), Labcorp
Classification: Uncertain significance for Peroxisome biogenesis disorder, complementation group 7. Last evaluated: 2022-02-22. Review status: criteria provided, single submitter. Criteria: Invitae Variant Classification Sherloc (09022015). Collection method: clinical testing. Allele origin: germline.
Comment: This sequence change replaces threonine, which is neutral and polar, with serine, which is neutral and polar, at codon 68 of the PEX10 protein (p.Thr68Ser). This variant is not present in population databases (gnomAD no frequency). This variant has not been reported in the literature in individuals affected with PEX10-related conditions. Algorithms developed to predict the effect of missense changes on protein structure and function (SIFT, PolyPhen-2, Align-GVGD) all suggest that this variant is likely to be disruptive. In summary, the available evidence is currently insufficient to determine the role of this variant in disease. Therefore, it has been classified as a Variant of Uncertain Significance.

NM_002617.4(PEX10):c.202A>T (p.Thr68Ser)

Gene: PEX10 (peroxisomal biogenesis factor 10; minus strand). Cytogenetic location: 1p36.32.
Variant type: single nucleotide variant.
Coding change: c.202A>T on transcript NM_002617.4 (MANE Select); coding-DNA position 202, A replaced by T.
Protein change: p.Thr68Ser; replaces threonine 68 with serine.
Molecular consequence: missense variant. On other transcripts: 5 prime UTR variant (2), non-coding transcript variant (1).
Genome position (GRCh38, 1-based): chr1:2,408,850, T>A on the plus strand (A>T on the coding strand, the complement: PEX10 is on the minus strand). VCF-style: chr1-2408850-T-A. GRCh37 (hg19) VCF-style: chr1-2340289-T-A.
Other names: c.202A>T, p.Thr68Ser (NM_001374425.1, NM_153818.2); c.-231A>T (NM_001374426.1, NM_001374427.1); short protein forms T68S.
Identifiers: ClinVar variation 2101412 (VCV002101412.4), dbSNP rs1643096551, ClinGen allele CA337989126.